The following is an entry in ClinVar:

ClinVar aggregate classification (germline): Uncertain significance. Review status: criteria provided, multiple submitters, no conflicts (2 of 4 stars). 2 submissions from 2 submitters: Uncertain significance (2). Last evaluated 2025-12-10.

Conditions:
Familial adenomatous polyposis 2. Also called: MUTYH-associated polyposis; MUTYH-related attenuated familial adenomatous polyposis; FAP type 2; Adenomas, multiple colorectal; MYH-associated polyposis; MUTYH Polyposis. Identifiers: Orphanet 220460, Orphanet 247798, MedGen C3272841, MONDO:0012041, OMIM 608456.
Hereditary cancer-predisposing syndrome. Also called: Hereditary Cancer Syndrome; Hereditary neoplastic syndrome; Neoplastic Syndromes, Hereditary; Tumor predisposition. Identifiers: Orphanet 140162, MedGen C0027672, MeSH D009386, MONDO:0015356.

Allele frequency attached by ClinVar (database versions not stated): gnomAD exomes below 0.00001; ExAC 0.00001; ESP Exome Variant Server 0.00008.
gnomAD v4.1: 1 of 1,614,212 alleles (0.000062%); highest among the groups gnomAD compares: Non-Finnish European, 0.000085%; no homozygotes.

Submissions (2):

Labcorp Genetics (formerly Invitae), Labcorp
Classification: Uncertain significance for Familial adenomatous polyposis 2. Last evaluated: 2025-12-10. Review status: criteria provided, single submitter. Criteria: Invitae Variant Classification Sherloc (09022015). Collection method: clinical testing. Allele origin: germline.
Comment: This sequence change replaces glutamine, which is neutral and polar, with histidine, which is basic and polar, at codon 141 of the MUTYH protein (p.Gln141His). This variant is present in population databases (rs371317117, gnomAD 0.0009%). This variant has not been reported in the literature in individuals affected with MUTYH-related conditions. ClinVar contains an entry for this variant (Variation ID: 1738983). An algorithm developed to predict the effect of missense changes on protein structure and function (PolyPhen-2) suggests that this variant is likely to be disruptive. In summary, the available evidence is currently insufficient to determine the role of this variant in disease. Therefore, it has been classified as a Variant of Uncertain Significance.

Ambry Genetics
Classification: Uncertain significance for Hereditary cancer-predisposing syndrome. Last evaluated: 2025-01-13. Review status: criteria provided, single submitter. Criteria: Ambry Variant Classification Scheme 2023. Collection method: clinical testing. Allele origin: germline.
Comment: The p.Q141H variant (also known as c.423G>C), located in coding exon 5 of the MUTYH gene, results from a G to C substitution at nucleotide position 423. The glutamine at codon 141 is replaced by histidine, an amino acid with highly similar properties. This amino acid position is conserved. In addition, this alteration is predicted to be deleterious by in silico analysis. Since supporting evidence is limited at this time, the clinical significance of this alteration remains unclear.

NM_001048174.2(MUTYH):c.339G>C (p.Gln113His)

Gene: MUTYH (mutY DNA glycosylase; minus strand). Cytogenetic location: 1p34.1.
Variant type: single nucleotide variant.
Coding change: c.339G>C on transcript NM_001048174.2 (MANE Select); coding-DNA position 339, G replaced by C.
Protein change: p.Gln113His; replaces glutamine 113 with histidine.
Molecular consequence: missense variant. On other transcripts: non-coding transcript variant (1), intron variant (2).
Genome position (GRCh38, 1-based): chr1:45,333,136, C>G on the plus strand (G>C on the coding strand, the complement: MUTYH is on the minus strand). VCF-style: chr1-45333136-C-G. GRCh37 (hg19) VCF-style: chr1-45798808-C-G.
Other names: c.339G>C, p.Gln113His (NM_001048171.2, NM_001048173.2, NM_001293195.2 and 6 more transcripts); c.342G>C, p.Gln114His (NM_001048172.2, NM_001407071.1, NM_001407078.1 and 2 more transcripts); c.423G>C, p.Gln141His (NM_001128425.2); c.384G>C, p.Gln128His (NM_001293190.2); c.372G>C, p.Gln124His (NM_001293191.2, NM_001407077.1); c.63G>C, p.Gln21His (NM_001293192.2, NM_001293196.2, NM_001407091.1); c.414G>C, p.Gln138His (NM_001407069.1, NM_012222.3); c.381G>C, p.Gln127His (NM_001407073.1, NM_001407083.1, NM_001407085.1); and 3 more; short protein forms Q127H, Q138H, Q141H, Q113H, Q124H, Q21H, Q114H, Q120H.
Identifiers: ClinVar variation 1738983 (VCV001738983.9), dbSNP rs371317117, ClinGen allele CA057793.